The following is an entry in ClinVar:

NM_004208.4(AIFM1):c.1183G>C (p.Val395Leu)

Genes: AIFM1 (apoptosis inducing factor mitochondria associated 1; minus strand), RAB33A (RAB33A, member RAS oncogene family; plus strand). Cytogenetic location: Xq26.1.
Variant type: single nucleotide variant.
Coding change: c.1183G>C on transcript NM_004208.4 (MANE Select); coding-DNA position 1183, G replaced by C.
Protein change: p.Val395Leu; replaces valine 395 with leucine.
Molecular consequence: missense variant. On other transcripts: 3 prime UTR variant (1), non-coding transcript variant (1).
Genome position (GRCh38, 1-based): chrX:130,136,167, C>G on the plus strand (G>C on the coding strand, the complement: AIFM1 is on the minus strand). VCF-style: chrX-130136167-C-G. GRCh37 (hg19) VCF-style: chrX-129270142-C-G.
Other names: c.166G>C, p.Val56Leu (NM_001130846.4); c.*411G>C (NM_001130847.4); c.1171G>C, p.Val391Leu (NM_145812.3); short protein forms V391L, V395L, V56L.
Identifiers: ClinVar variation 1314730 (VCV001314730.2), dbSNP rs2124651880, ClinGen allele CA414575595.
Genomic context (GRCh38, chrX:130,136,167, plus strand): 5'-CTATTTCCAGGCCACCAGTCTTGGCCAACTCAACATTGGGCTCCAGGCCCACAGCTGCCA[C>G]TATGTGGTCAGTTTCTACCTGAGGCAAAAAAGAAATAATTCAGTCAATTACCACAGTTTC-3'
Protein context (NP_004199.1, residues 385-405): DGRKVETDHI[Val395Leu]AAVGLEPNVE

ClinVar aggregate classification (germline): Uncertain significance (1 of 4 stars; one submission).

Submission:

GeneDx
Classification: Uncertain significance. Last evaluated: 2021-04-19. Review status: criteria provided, single submitter. Criteria: GeneDx Variant Classification Process June 2021. Collection method: clinical testing. Allele origin: germline. Affected: yes.
Comment: Not observed in large population cohorts (Lek et al., 2016); In silico analysis supports that this missense variant does not alter protein structure/function; Has not been previously published as pathogenic or benign to our knowledge